The following is an entry in ClinVar:

NM_201384.3(PLEC):c.3354G>A (p.Val1118=)

Gene: PLEC (plectin; minus strand). Cytogenetic location: 8q24.3.
Variant type: single nucleotide variant.
Coding change: c.3354G>A on transcript NM_201384.3 (MANE Select); coding-DNA position 3354, G replaced by A.
Protein change: p.Val1118=; no amino-acid change (valine 1118 retained).
Molecular consequence: synonymous variant.
Genome position (GRCh38, 1-based): chr8:143,927,899, C>T on the plus strand (G>A on the coding strand, the complement: PLEC is on the minus strand). VCF-style: chr8-143927899-C-T. GRCh37 (hg19) VCF-style: chr8-145002067-C-T.
Other names: c.3435G>A, p.Val1145= (NM_000445.5); c.3312G>A, p.Val1104= (NM_201378.4); c.3288G>A, p.Val1096= (NM_201379.3); c.3765G>A, p.Val1255= (NM_201380.4); c.3258G>A, p.Val1086= (NM_201381.3); c.3354G>A, p.Val1118= (NM_201382.4); c.3366G>A, p.Val1122= (NM_201383.3).
Identifiers: ClinVar variation 592767 (VCV000592767.16), dbSNP rs375657597, ClinGen allele CA4927117.

ClinVar aggregate classification (germline): Conflicting classifications of pathogenicity. Review status: criteria provided, conflicting classifications (1 of 4 stars). 4 submissions from 4 submitters: Uncertain significance (1); Likely benign (2). 1 of the submissions does not count toward it. Last evaluated 2025-12-15.

Conditions:
PLEC-related disorder. Also called: PLEC-related disorders; PLEC-related condition.
Epidermolysis bullosa simplex 5B, with muscular dystrophy (EBS5B). Also called: Epidermolysis bullosa simplex with muscular dystrophy; EPIDERMOLYSIS BULLOSA SIMPLEX AND LIMB-GIRDLE MUSCULAR DYSTROPHY. Identifiers: Orphanet 257, MedGen C2931072, MONDO:0009181, OMIM 226670.
Autosomal recessive limb-girdle muscular dystrophy type 2Q (LGMDR17). Also called: MUSCULAR DYSTROPHY, LIMB-GIRDLE, AUTOSOMAL RECESSIVE 17. Identifiers: Orphanet 254361, MedGen C3150989, MONDO:0013390, OMIM 613723.
Epidermolysis bullosa simplex, Ogna type (EBS5A). Also called: Pidermolysis bullosa simplex 5A, Ogna type; EPIDERMOLYSIS BULLOSA SIMPLEX 5A, OGNA TYPE. Identifiers: Orphanet 79401, MedGen C0432317, MONDO:0007555, OMIM 131950.
Epidermolysis bullosa simplex 5C, with pyloric atresia (EBS5C). Also called: PLEC-Related Epidermolysis Bullosa with Pyloric Atresia; Epidermolysis bullosa simplex with pyloric atresia; PLEC1-Related Epidermolysis Bullosa with Pyloric Atresia. Identifiers: Orphanet 158684, MedGen C2677349, MONDO:0012807, OMIM 612138.
Epidermolysis bullosa simplex with nail dystrophy (EBS5D). Identifiers: MedGen C4225309, MONDO:0014661, OMIM 616487.

Allele frequency attached by ClinVar (database versions not stated): gnomAD exomes 0.00003 and 0.00008; 1000 Genomes Project 30x 0.00016; ExAC 0.00019; 1000 Genomes Project 0.00020; ESP Exome Variant Server 0.00033; TOPMed 0.00037; gnomAD 0.00047 and 0.00050.
gnomAD v4.1: 109 of 1,595,354 alleles (0.0068%); highest among the groups gnomAD compares: African/African-American, 0.14%; no homozygotes.

Submissions (4):

Labcorp Genetics (formerly Invitae), Labcorp
Classification: Likely benign for Autosomal recessive limb-girdle muscular dystrophy type 2Q; Epidermolysis bullosa simplex, Ogna type; Epidermolysis bullosa simplex with nail dystrophy; Epidermolysis bullosa simplex 5C, with pyloric atresia; Epidermolysis bullosa simplex 5B, with muscular dystrophy. Last evaluated: 2025-12-15. Review status: criteria provided, single submitter. Criteria: Invitae Variant Classification Sherloc (09022015). Collection method: clinical testing. Allele origin: germline.

Blueprint Genetics
Classification: Likely benign. Last evaluated: 2023-08-14. Review status: criteria provided, single submitter. Criteria: ACMG Guidelines, 2015. Collection method: clinical testing. Allele origin: germline.

Eurofins Ntd Llc (ga)
Classification: Uncertain significance. Last evaluated: 2018-01-25. Review status: criteria provided, single submitter. Criteria: EGL Classification Definitions 2015. Collection method: clinical testing. Allele origin: germline. Observed: 3 variant alleles, 3 heterozygotes.

PreventionGenetics, part of Exact Sciences
Classification: Likely benign for PLEC-related condition. Last evaluated: 2024-08-26. Review status: no assertion criteria provided. Collection method: clinical testing. Allele origin: germline. Not counted in ClinVar's aggregate classification.
Comment: This variant is classified as likely benign based on ACMG/AMP sequence variant interpretation guidelines (Richards et al. 2015 PMID: 25741868, with internal and published modifications).